The following is an entry in ClinVar:

NM_000528.4(MAN2B1):c.419G>A (p.Arg140Gln)

Gene: MAN2B1 (mannosidase alpha class 2B member 1; minus strand). Cytogenetic location: 19p13.13.
Variant type: single nucleotide variant.
Coding change: c.419G>A on transcript NM_000528.4 (MANE Select); coding-DNA position 419, G replaced by A.
Protein change: p.Arg140Gln; replaces arginine 140 with glutamine.
Molecular consequence: missense variant.
Genome position (GRCh38, 1-based): chr19:12,665,369, C>T on the plus strand (G>A on the coding strand, the complement: MAN2B1 is on the minus strand). VCF-style: chr19-12665369-C-T. GRCh37 (hg19) VCF-style: chr19-12776183-C-T.
Other names: p.Arg140Gln; c.419G>A, p.Arg140Gln (NM_001173498.2); short protein forms R140Q.
Identifiers: ClinVar variation 789665 (VCV000789665.16), dbSNP rs139281846, ClinGen allele CA9226821.

ClinVar aggregate classification (germline): Conflicting classifications of pathogenicity. Review status: criteria provided, conflicting classifications (1 of 4 stars). 5 submissions from 5 submitters: Uncertain significance (1); Likely benign (2). 2 of the submissions do not count toward it. Last evaluated 2026-01-11.

Conditions:
MAN2B1-related disorder. Also called: MAN2B1-related condition.
Deficiency of alpha-mannosidase (MANSA). Also called: Alpha-Mannosidosis; Mannosidosis, alpha-, types I and II; LYSOSOMAL ALPHA-D-MANNOSIDASE DEFICIENCY. Identifiers: Orphanet 61, MedGen C0024748, MONDO:0009561, OMIM 248500.

Allele frequency attached by ClinVar (database versions not stated): gnomAD exomes 0.00008 and 0.00023; 1000 Genomes Project 0.00020; ExAC 0.00026; 1000 Genomes Project 30x 0.00031; gnomAD 0.00069 and 0.00075; TOPMed 0.00083; ESP Exome Variant Server 0.00115.

Submissions (5):

Labcorp Genetics (formerly Invitae), Labcorp
Classification: Likely benign for Deficiency of alpha-mannosidase. Last evaluated: 2026-01-11. Review status: criteria provided, single submitter. Criteria: Invitae Variant Classification Sherloc (09022015). Collection method: clinical testing. Allele origin: germline.

Blueprint Genetics
Classification: Likely benign. Last evaluated: 2024-08-28. Review status: criteria provided, single submitter. Criteria: ACMG Guidelines, 2015. Collection method: clinical testing. Allele origin: germline.

Mayo Clinic Laboratories, Mayo Clinic
Classification: Uncertain significance. Last evaluated: 2024-01-08. Review status: criteria provided, single submitter. Criteria: ACMG Guidelines, 2015. Collection method: clinical testing. Allele origin: germline. Observed: 1 variant allele.
Comment: BS1

PreventionGenetics, part of Exact Sciences
Classification: Likely benign for MAN2B1-related condition. Last evaluated: 2023-02-01. Review status: no assertion criteria provided. Collection method: clinical testing. Allele origin: germline. Not counted in ClinVar's aggregate classification.
Comment: This variant is classified as likely benign based on ACMG/AMP sequence variant interpretation guidelines (Richards et al. 2015 PMID: 25741868, with internal and published modifications).

Natera, Inc.
Classification: Uncertain significance for Alpha-mannosidosis. Last evaluated: 2020-01-24. Review status: no assertion criteria provided. Collection method: clinical testing. Allele origin: germline. Not counted in ClinVar's aggregate classification.